The following is an entry in ClinVar:

ClinVar aggregate classification (germline): Conflicting classifications of pathogenicity. Review status: criteria provided, conflicting classifications (1 of 4 stars). 2 submissions from 2 submitters: Likely pathogenic (1); Uncertain significance (1). Last evaluated 2024-12-29.

Conditions:
SCN4A-related disorder. Also called: SCN4A-related disorders.

Submissions (2):

PreventionGenetics, part of Exact Sciences
Classification: Uncertain significance for SCN4A-related condition. Last evaluated: 2024-12-29. Review status: criteria provided, single submitter. Criteria: ACMG Guidelines, 2015. Collection method: clinical testing. Allele origin: germline.
Comment: The SCN4A c.1996_2001dup6 variant is predicted to result in an in-frame duplication (p.Ser666_Val667dup). To our knowledge, this variant has not been reported in the literature or in a large population database (gnomAD), indicating this variant is rare. This variant occurs upstream and adjacent to a region where several disease-causing missense variants have been reported, suggesting that this region may be important for protein structure and/or function (Stunnenberg et al. 2018. PubMed ID: 29606556; Mi et al. 2014. PubMed ID: 25024265; Dupré et al. 2009. PubMed ID: 18337100; Bendahhou et al. 2001. PubMed ID: 11558801). At this time, the clinical significance of the p.Ser666_Val667dup variant is uncertain due to the absence of conclusive functional and genetic evidence.

GeneDx
Classification: Likely pathogenic. Last evaluated: 2017-01-09. Review status: criteria provided, single submitter. Criteria: GeneDx Variant Classification (06012015). Collection method: clinical testing. Allele origin: germline. Affected: yes.
Comment: A variant that is likely pathogenic has been identified in the SCN4A gene. The c.1996_2001dupTCTGTG variant has not been published as a pathogenic variant, nor has it been reported as a benign variant to our knowledge. The c.1996_2001dupTCTGTG variant results in an in-frame duplication of a Serine and Valine residue, denoted p.Ser666_Val667dup. The c.1996_2001dupTCTGTG variant is not observed in large population cohorts (Lek et al., 2016; 1000 Genomes Consortium et al., 2015; Exome Variant Server). The c.1996_2001dupTCTGTG variant results in the duplication of two conserved residues predicted to be at the junction of the extracellular loop before transmembrane segment S4 and that transmembrane segment in the second homologous domain of the SCN4A protein. Additionally, missense variants in nearby residues (R669H, F671S, R672S/G/C/H) have been reported in the Human Gene Mutation Database in association with SCN4A-related disorders (Stenson et al., 2014), supporting the functional importance of this region of the protein. Therefore, this variant is likely pathogenic; however, the possibility that it is benign cannot be excluded.

NM_000334.4(SCN4A):c.1996_2001dup (p.Ser666_Val667dup)

Gene: SCN4A (sodium voltage-gated channel alpha subunit 4; minus strand). Cytogenetic location: 17q23.3.
Variant type: Duplication.
Coding change: c.1996_2001dup on transcript NM_000334.4 (MANE Select); coding-DNA positions 1996 to 2001, 6 bases duplicated (TCTGTG; older notation c.1996_2001dupTCTGTG).
Protein change: p.Ser666_Val667dup.
Molecular consequence: inframe insertion.
Genome position (GRCh38, 1-based): chr17:63,959,283-63,959,288, CACAGA duplicated on the plus strand (TCTGTG on the coding strand, the reverse complement: SCN4A is on the minus strand); duplicating any 6 consecutive bases within chr17:63,959,283-63,959,290 gives the same sequence; the c. name uses the placement nearest the transcript's 3' end. VCF-style (leftmost placement, unchanged base first): chr17-63959282-G-GCACAGA. GRCh37 (hg19) VCF-style: chr17-62036642-G-GCACAGA.
Other names: c.1996_2001dupTCTGTG (NM_000334.4); c.1996_2001dup6 (NM_000334.4).
Identifiers: ClinVar variation 420227 (VCV000420227.3), dbSNP rs1555603364, ClinGen allele CA16620556.